The following is an entry in ClinVar:

NM_172107.4(KCNQ2):c.812G>A (p.Gly271Asp)

Gene: KCNQ2 (potassium voltage-gated channel subfamily Q member 2; minus strand). Cytogenetic location: 20q13.33.
Variant type: single nucleotide variant.
Coding change: c.812G>A on transcript NM_172107.4 (MANE Select); coding-DNA position 812, G replaced by A.
Protein change: p.Gly271Asp; replaces glycine 271 with aspartic acid.
Molecular consequence: missense variant.
Genome position (GRCh38, 1-based): chr20:63,442,410, C>T on the plus strand (G>A on the coding strand, the complement: KCNQ2 is on the minus strand). VCF-style: chr20-63442410-C-T. GRCh37 (hg19) VCF-style: chr20-62073763-C-T.
Other names: c.812G>A, p.Gly271Asp (NM_004518.6, NM_172106.3, NM_172108.5 and 1 more transcripts); short protein forms G271D.
Identifiers: ClinVar variation 565381 (VCV000565381.9), dbSNP rs118192209, ClinGen allele CA409653337.

ClinVar aggregate classification (germline): Pathogenic (1 of 4 stars; one submission).

Conditions:
Early-infantile DEE. Also called: Ohtahara syndrome; Early infantile epileptic encephalopathy; Early infantile epileptic encephalopathy with suppression bursts. Identifiers: Orphanet 1934, MedGen C0393706, MONDO:0800491.

Submission:

Labcorp Genetics (formerly Invitae), Labcorp
Classification: Pathogenic for Early-infantile DEE. Last evaluated: 2025-08-21. Review status: criteria provided, single submitter. Criteria: Invitae Variant Classification Sherloc (09022015). Collection method: clinical testing. Allele origin: germline.
Comment: This sequence change replaces glycine, which is neutral and non-polar, with aspartic acid, which is acidic and polar, at codon 271 of the KCNQ2 protein (p.Gly271Asp). This variant is not present in population databases (gnomAD no frequency). This missense change has been observed in individual(s) with seizures (PMID: 33659638, 35645364; internal data). In at least one individual the variant was observed to be de novo. ClinVar contains an entry for this variant (Variation ID: 565381). Invitae Evidence Modeling of protein sequence and biophysical properties (such as structural, functional, and spatial information, amino acid conservation, physicochemical variation, residue mobility, and thermodynamic stability) indicates that this missense variant is expected to disrupt KCNQ2 protein function with a positive predictive value of 95%. For these reasons, this variant has been classified as Pathogenic.

Literature cited by the submitters: PubMed 33659638; PubMed 35645364.